The following is an entry in ClinVar:

NM_006346.4(PIBF1):c.387A>G (p.Glu129=)

Gene: PIBF1 (progesterone immunomodulatory binding factor 1; plus strand). Cytogenetic location: 13q21.33.
Variant type: single nucleotide variant.
Coding change: c.387A>G on transcript NM_006346.4 (MANE Select); coding-DNA position 387, A replaced by G.
Protein change: p.Glu129=; no amino-acid change (glutamic acid 129 retained).
Molecular consequence: synonymous variant. On other transcripts: non-coding transcript variant (2).
Genome position (GRCh38, 1-based): chr13:72,795,392, A>G. VCF-style: chr13-72795392-A-G. GRCh37 (hg19) VCF-style: chr13-73369530-A-G.
Other names: c.387A>G (NM_006346.2); c.387A>G, p.Glu129= (NM_001349655.2).
Identifiers: ClinVar variation 2894209 (VCV002894209.5), dbSNP rs148137991, ClinGen allele CA7001937.

ClinVar aggregate classification (germline): Likely benign. Review status: criteria provided, single submitter (1 of 4 stars). 2 submissions from 2 submitters: Likely benign (1). 1 of the submissions does not count toward it. Last evaluated 2025-01-06.

Conditions:
PIBF1-related disorder. Also called: PIBF1-related condition.

Allele frequency attached by ClinVar (database versions not stated): gnomAD exomes 0.00003; ExAC 0.00015; ESP Exome Variant Server 0.00015; 1000 Genomes Project 30x 0.00016; 1000 Genomes Project 0.00020; gnomAD 0.00043; TOPMed 0.00043.
gnomAD v4.1: 113 of 1,599,408 alleles (0.0071%); highest among the groups gnomAD compares: African/African-American, 0.14%; no homozygotes.

Submissions (2):

Labcorp Genetics (formerly Invitae), Labcorp
Classification: Likely benign. Last evaluated: 2025-01-06. Review status: criteria provided, single submitter. Criteria: Invitae Variant Classification Sherloc (09022015). Collection method: clinical testing. Allele origin: germline.

PreventionGenetics, part of Exact Sciences
Classification: Likely benign for PIBF1-related condition. Last evaluated: 2022-10-19. Review status: no assertion criteria provided. Collection method: clinical testing. Allele origin: germline. Not counted in ClinVar's aggregate classification.
Comment: This variant is classified as likely benign based on ACMG/AMP sequence variant interpretation guidelines (Richards et al. 2015 PMID: 25741868, with internal and published modifications).